The following is an entry in ClinVar:

NM_004260.4(RECQL4):c.3458A>C (p.Glu1153Ala)

Gene: RECQL4 (RecQ like helicase 4; minus strand). Cytogenetic location: 8q24.3.
Variant type: single nucleotide variant.
Coding change: c.3458A>C on transcript NM_004260.4 (MANE Select); coding-DNA position 3458, A replaced by C.
Protein change: p.Glu1153Ala; replaces glutamic acid 1153 with alanine.
Molecular consequence: missense variant. On other transcripts: non-coding transcript variant (3).
Genome position (GRCh38, 1-based): chr8:144,511,725, T>G on the plus strand (A>C on the coding strand, the complement: RECQL4 is on the minus strand). VCF-style: chr8-144511725-T-G. GRCh37 (hg19) VCF-style: chr8-145737108-T-G.
Other names: c.3164A>C, p.Glu1055Ala (NM_001413017.1); c.3260A>C, p.Glu1087Ala (NM_001413018.1); c.3533A>C, p.Glu1178Ala (NM_001413019.1); c.3362A>C, p.Glu1121Ala (NM_001413020.1); c.2387A>C, p.Glu796Ala (NM_001413021.1, NM_001413022.1, NM_001413024.1 and 4 more transcripts); c.2462A>C, p.Glu821Ala (NM_001413023.1); c.3329A>C, p.Glu1110Ala (NM_001413025.1); c.2321A>C, p.Glu774Ala (NM_001413027.1, NM_001413030.1, NM_001413032.1); and 9 more; short protein forms E1121A, E1153A, E752A, E1055A, E664A, E730A, E1109A, E1143A.
Identifiers: ClinVar variation 4759563 (VCV004759563.1).

ClinVar aggregate classification (germline): Uncertain significance (1 of 4 stars; one submission).

Conditions:
Baller-Gerold syndrome (BGS). Also called: CRANIOSYNOSTOSIS WITH RADIAL DEFECTS. Identifiers: Orphanet 1225, MedGen C0265308, MONDO:0009039, OMIM 218600.

Submission:

Labcorp Genetics (formerly Invitae), Labcorp
Classification: Uncertain significance for Baller-Gerold syndrome. Last evaluated: 2025-10-14. Review status: criteria provided, single submitter. Criteria: Invitae Variant Classification Sherloc (09022015). Collection method: clinical testing. Allele origin: germline.
Comment: This sequence change replaces glutamic acid, which is acidic and polar, with alanine, which is neutral and non-polar, at codon 1153 of the RECQL4 protein (p.Glu1153Ala). This variant is not present in population databases (gnomAD no frequency). This variant has not been reported in the literature in individuals affected with RECQL4-related conditions. Invitae Evidence Modeling of protein sequence and biophysical properties (such as structural, functional, and spatial information, amino acid conservation, physicochemical variation, residue mobility, and thermodynamic stability) indicates that this missense variant is not expected to disrupt RECQL4 protein function with a negative predictive value of 80%. In summary, the available evidence is currently insufficient to determine the role of this variant in disease. Therefore, it has been classified as a Variant of Uncertain Significance.